The following is an entry in ClinVar:

NM_000089.4(COL1A2):c.2187+6T>A

Gene: COL1A2 (collagen type I alpha 2 chain; plus strand). Cytogenetic location: 7q21.3.
Variant type: single nucleotide variant.
Coding change: c.2187+6T>A on transcript NM_000089.4 (MANE Select); 6 bases into the intron after coding-DNA position 2187, T replaced by A.
Molecular consequence: intron variant.
Genome position (GRCh38, 1-based): chr7:94,420,450, T>A. VCF-style: chr7-94420450-T-A. GRCh37 (hg19) VCF-style: chr7-94049762-T-A.
Identifiers: ClinVar variation 196964 (VCV000196964.11), dbSNP rs794727585, ClinGen allele CA244810.

ClinVar aggregate classification (germline): Uncertain significance. Review status: criteria provided, multiple submitters, no conflicts (2 of 4 stars). 2 submissions from 2 submitters: Uncertain significance (2). Last evaluated 2022-09-07.

Conditions:
Ehlers-Danlos syndrome, classic type, 1 (EDSCL1). Also called: Ehlers-Danlos Syndrome, Classic Type, COL5A1-Related; EHLERS-DANLOS SYNDROME, GRAVIS TYPE; EHLERS-DANLOS SYNDROME, SEVERE CLASSIC TYPE; Ehlers-Danlos syndrome, type 1; EDS I. Identifiers: MedGen C0268335, MONDO:0019567, OMIM 130000.
Osteogenesis imperfecta type I (OI1). Also called: Classic Non-deforming Osteogenesis Imperfecta with Blue Sclerae; Osteogenesis imperfecta type 1; OSTEOGENESIS IMPERFECTA WITH BLUE SCLERAE; Lobstein disease; Lobstein's Disease; OI, TYPE I. Identifiers: Orphanet 216796, Orphanet 666, MedGen C0023931, MONDO:0008146, OMIM 166200. Disease mechanism: loss of function.

Submissions (2):

Labcorp Genetics (formerly Invitae), Labcorp
Classification: Uncertain significance for Osteogenesis imperfecta type I; Ehlers-Danlos syndrome, classic type, 1. Last evaluated: 2022-09-07. Review status: criteria provided, single submitter. Criteria: Invitae Variant Classification Sherloc (09022015). Collection method: clinical testing. Allele origin: germline.
Comment: In summary, the available evidence is currently insufficient to determine the role of this variant in disease. Therefore, it has been classified as a Variant of Uncertain Significance. Variants that disrupt the consensus splice site are a relatively common cause of aberrant splicing (PMID: 17576681, 9536098). Algorithms developed to predict the effect of sequence changes on RNA splicing suggest that this variant may disrupt the consensus splice site. ClinVar contains an entry for this variant (Variation ID: 196964). This variant has been observed in individual(s) with clinical features of osteogenesis imperfect (Invitae). This variant is not present in population databases (gnomAD no frequency). This sequence change falls in intron 36 of the COL1A2 gene. It does not directly change the encoded amino acid sequence of the COL1A2 protein. It affects a nucleotide within the consensus splice site.

Eurofins Ntd Llc (ga)
Classification: Uncertain significance. Last evaluated: 2015-01-07. Review status: criteria provided, single submitter. Criteria: EGL Classification Definitions 2015. Collection method: clinical testing. Allele origin: germline. Observed: 1 variant allele, 1 heterozygote.

Literature cited by the submitters: PubMed 17576681 (cited by Labcorp Genetics (formerly Invitae), Labcorp); PubMed 9536098 (cited by Labcorp Genetics (formerly Invitae), Labcorp).